The following is an entry in ClinVar:

ClinVar aggregate classification (germline): Uncertain significance (1 of 4 stars; one submission).

Conditions:
Charcot-Marie-Tooth Neuropathy X. Identifiers: MedGen CN118851.
Combined oxidative phosphorylation deficiency. Identifiers: MedGen C4540031, MONDO:0000732.

Allele frequency attached by ClinVar (database versions not stated): gnomAD exomes 0.00001; gnomAD 0.00002; TOPMed 0.00002.
gnomAD v4.1: 7 of 1,209,209 alleles (0.00058%); highest among the groups gnomAD compares: African/African-American, 0.0053%; no homozygotes.

Submission:

Labcorp Genetics (formerly Invitae), Labcorp
Classification: Uncertain significance for Charcot-Marie-Tooth Neuropathy X; Combined oxidative phosphorylation deficiency. Last evaluated: 2022-03-13. Review status: criteria provided, single submitter. Criteria: Invitae Variant Classification Sherloc (09022015). Collection method: clinical testing. Allele origin: germline.
Comment: This sequence change replaces arginine, which is basic and polar, with glutamine, which is neutral and polar, at codon 358 of the AIFM1 protein (p.Arg358Gln). In summary, the available evidence is currently insufficient to determine the role of this variant in disease. Therefore, it has been classified as a Variant of Uncertain Significance. Algorithms developed to predict the effect of missense changes on protein structure and function output the following: SIFT: "Tolerated"; PolyPhen-2: "Benign"; Align-GVGD: "Class C0". The glutamine amino acid residue is found in multiple mammalian species, which suggests that this missense change does not adversely affect protein function. This variant has not been reported in the literature in individuals affected with AIFM1-related conditions. This variant is present in population databases (no rsID available, gnomAD 0.02%).

NM_004208.4(AIFM1):c.1073G>A (p.Arg358Gln)

Genes: AIFM1 (apoptosis inducing factor mitochondria associated 1; minus strand), RAB33A (RAB33A, member RAS oncogene family; plus strand). Cytogenetic location: Xq26.1.
Variant type: single nucleotide variant.
Coding change: c.1073G>A on transcript NM_004208.4 (MANE Select); coding-DNA position 1073, G replaced by A.
Protein change: p.Arg358Gln; replaces arginine 358 with glutamine.
Molecular consequence: missense variant. On other transcripts: 3 prime UTR variant (1), non-coding transcript variant (1).
Genome position (GRCh38, 1-based): chrX:130,137,080, C>T on the plus strand (G>A on the coding strand, the complement: AIFM1 is on the minus strand). VCF-style: chrX-130137080-C-T. GRCh37 (hg19) VCF-style: chrX-129271055-C-T.
Other names: c.56G>A, p.Arg19Gln (NM_001130846.4); c.*301G>A (NM_001130847.4); c.1061G>A, p.Arg354Gln (NM_145812.3); short protein forms R19Q, R354Q, R358Q.
Identifiers: ClinVar variation 2414558 (VCV002414558.6), dbSNP rs1043351232, ClinGen allele CA335118428.